The following is an entry in ClinVar:

NM_018006.5(TRMU):c.772+217G>A

Gene: TRMU (tRNA mitochondrial 2-thiouridylase; plus strand). Cytogenetic location: 22q13.31.
Variant type: single nucleotide variant.
Coding change: c.772+217G>A on transcript NM_018006.5 (MANE Select); 217 bases into the intron after coding-DNA position 772, G replaced by A.
Molecular consequence: intron variant.
Genome position (GRCh38, 1-based): chr22:46,352,547, G>A. VCF-style: chr22-46352547-G-A. GRCh37 (hg19) VCF-style: chr22-46748444-G-A.
Other names: c.772+217G>A (NM_001282785.2); c.430+217G>A (NM_001282782.2); c.352+217G>A (NM_001282783.2, NM_001282784.2).
Identifiers: ClinVar variation 684278 (VCV000684278.2), dbSNP rs12159706, ClinGen allele CA14978151.
Genomic context (GRCh38, chr22:46,352,547, plus strand): 5'-GGAACAGTTGCCTTGATGGTGGCTGGGTGCACTTCCAGATGTGGCCTCAGCTGAGATGCT[G>A]GAGTTCATGAAAAGCGCGCCTCTGACTTGGAAGGACTATACTCTGTGAGTTACGTATCAA-3'

ClinVar aggregate classification (germline): Benign. Review status: criteria provided, multiple submitters, no conflicts (2 of 4 stars). 2 submissions from 2 submitters: Benign (2). Last evaluated 2018-06-14.

Allele frequency attached by ClinVar (database versions not stated): gnomAD exomes 0.00830; gnomAD 0.06281 and 0.06706; TOPMed 0.07036; 1000 Genomes Project 0.07368; 1000 Genomes Project 30x 0.07979.
gnomAD v4.1: 13,620 of 622,202 alleles (2.2%); highest among the groups gnomAD compares: African/African-American, 21%; 1,310 homozygotes.

Submissions (2):

GeneDx
Classification: Benign. Last evaluated: 2018-06-14. Review status: criteria provided, single submitter. Criteria: GeneDx Variant Classification (06012015). Collection method: clinical testing. Allele origin: germline. Affected: yes.
Comment: This variant is considered likely benign or benign based on one or more of the following criteria: it is a conservative change, it occurs at a poorly conserved position in the protein, it is predicted to be benign by multiple in silico algorithms, and/or has population frequency not consistent with disease.

Breakthrough Genomics
Classification: Benign. Review status: criteria provided, single submitter. Criteria: ACMG Guidelines, 2015. Collection method: not provided. Allele origin: germline. Inheritance: Unknown mechanism. Affected: yes.